The following is an entry in ClinVar:

NM_000478.6(ALPL):c.62-12C>G

Gene: ALPL (alkaline phosphatase, biomineralization associated; plus strand). Cytogenetic location: 1p36.12.
Variant type: single nucleotide variant.
Coding change: c.62-12C>G on transcript NM_000478.6 (MANE Select); 12 bases into the intron before coding-DNA position 62, C replaced by G.
Molecular consequence: intron variant.
Genome position (GRCh38, 1-based): chr1:21,560,614, C>G. VCF-style: chr1-21560614-C-G. GRCh37 (hg19) VCF-style: chr1-21887107-C-G.
Other names: c.62-12C>G (NM_001369805.2, NM_001369804.2, NM_001369803.2); c.-104-12C>G (NM_001127501.4); c.-54-12C>G (NM_001177520.3).
Identifiers: ClinVar variation 3375450 (VCV003375450.1).

ClinVar aggregate classification (germline): Likely benign (1 of 4 stars; one submission).

gnomAD v4.1: 2 of 1,613,994 alleles (0.00012%); highest among the groups gnomAD compares: South Asian, 0.0011%; no homozygotes.

Submission:

Women's Health and Genetics/Laboratory Corporation of America, LabCorp
Classification: Likely benign. Last evaluated: 2024-09-16. Review status: criteria provided, single submitter. Criteria: LabCorp Variant Classification Summary - May 2015. Collection method: clinical testing. Allele origin: germline.
Comment: Variant summary: ALPL c.62-12C>G alters a non-conserved nucleotide located at a position not widely known to affect splicing. Consensus agreement among computation tools predict no significant impact on normal splicing. However, these predictions have yet to be confirmed by functional studies. The variant allele was found at a frequency of 1.2e-06 in 1607024 control chromosomes in the gnomAD database (v4.1 dataset). The available data on variant occurrences in the general population are insufficient to allow any conclusion about variant significance. To our knowledge, no occurrence of c.62-12C>G in individuals affected with Hypophosphatasia and no experimental evidence demonstrating its impact on protein function have been reported. No submitters have cited clinical-significance assessments for this variant to ClinVar. Based on the evidence outlined above, the variant was classified as likely benign.